The following is an entry in ClinVar:

NM_001687.5(ATP5F1D):c.274G>C (p.Gly92Arg)

Gene: ATP5F1D (ATP synthase F1 subunit delta; plus strand). Cytogenetic location: 19p13.3.
Variant type: single nucleotide variant.
Coding change: c.274G>C on transcript NM_001687.5 (MANE Select); coding-DNA position 274, G replaced by C.
Protein change: p.Gly92Arg; replaces glycine 92 with arginine.
Molecular consequence: missense variant.
Genome position (GRCh38, 1-based): chr19:1,242,588, G>C. VCF-style: chr19-1242588-G-C. GRCh37 (hg19) VCF-style: chr19-1242587-G-C.
Other names: c.274G>C, p.Gly92Arg (NM_001001975.2); short protein forms G92R.
Identifiers: ClinVar variation 3457788 (VCV003457788.2).

ClinVar aggregate classification (germline): Uncertain significance. Review status: criteria provided, multiple submitters, no conflicts (2 of 4 stars). 2 submissions from 2 submitters: Uncertain significance (2). Last evaluated 2025-05-12.

Conditions:
Inborn genetic diseases. Identifiers: MedGen C0950123, MeSH D030342.

gnomAD v4.1: 12 of 1,534,268 alleles (0.00078%); highest among the groups gnomAD compares: Non-Finnish European, 0.0011%; no homozygotes.

Submissions (2):

Labcorp Genetics (formerly Invitae), Labcorp
Classification: Uncertain significance. Last evaluated: 2025-05-12. Review status: criteria provided, single submitter. Criteria: Invitae Variant Classification Sherloc (09022015). Collection method: clinical testing. Allele origin: germline.
Comment: This sequence change replaces glycine, which is neutral and non-polar, with arginine, which is basic and polar, at codon 92 of the ATP5D protein (p.Gly92Arg). This variant is present in population databases (no rsID available, gnomAD 0.01%). This variant has not been reported in the literature in individuals affected with ATP5D-related conditions. ClinVar contains an entry for this variant (Variation ID: 3457788). An algorithm developed to predict the effect of missense changes on protein structure and function (PolyPhen-2) suggests that this variant is likely to be disruptive. In summary, the available evidence is currently insufficient to determine the role of this variant in disease. Therefore, it has been classified as a Variant of Uncertain Significance.

Ambry Genetics
Classification: Uncertain significance for Inborn genetic diseases. Last evaluated: 2024-08-21. Review status: criteria provided, single submitter. Criteria: Ambry Variant Classification Scheme 2023. Collection method: clinical testing. Allele origin: germline.